The following is an entry in ClinVar:

NM_000428.3(LTBP2):c.5343G>C (p.Leu1781Phe)

Gene: LTBP2 (latent transforming growth factor beta binding protein 2; minus strand). Cytogenetic location: 14q24.3.
Variant type: single nucleotide variant.
Coding change: c.5343G>C on transcript NM_000428.3 (MANE Select); coding-DNA position 5343, G replaced by C.
Protein change: p.Leu1781Phe; replaces leucine 1781 with phenylalanine.
Molecular consequence: missense variant.
Genome position (GRCh38, 1-based): chr14:74,501,007, C>G on the plus strand (G>C on the coding strand, the complement: LTBP2 is on the minus strand). VCF-style: chr14-74501007-C-G. GRCh37 (hg19) VCF-style: chr14-74967710-C-G.
Other names: short protein forms L1781F.
Identifiers: ClinVar variation 2191548 (VCV002191548.1), dbSNP rs745653727, ClinGen allele CA7268427.

ClinVar aggregate classification (germline): Uncertain significance (1 of 4 stars; one submission).

Allele frequency attached by ClinVar (database versions not stated): ExAC 0.00001; gnomAD 0.00001; gnomAD exomes 0.00001; TOPMed 0.00001.
gnomAD v4.1: 11 of 1,613,844 alleles (0.00068%); highest among the groups gnomAD compares: Non-Finnish European, 0.00093%; no homozygotes.

Submission:

Labcorp Genetics (formerly Invitae), Labcorp
Classification: Uncertain significance. Last evaluated: 2022-04-03. Review status: criteria provided, single submitter. Criteria: Invitae Variant Classification Sherloc (09022015). Collection method: clinical testing. Allele origin: germline.
Comment: This sequence change replaces leucine, which is neutral and non-polar, with phenylalanine, which is neutral and non-polar, at codon 1781 of the LTBP2 protein (p.Leu1781Phe). This variant is present in population databases (rs745653727, gnomAD 0.004%). This variant has not been reported in the literature in individuals affected with LTBP2-related conditions. Algorithms developed to predict the effect of missense changes on protein structure and function are either unavailable or do not agree on the potential impact of this missense change (SIFT: "Deleterious"; PolyPhen-2: "Probably Damaging"; Align-GVGD: "Class C15"). In summary, the available evidence is currently insufficient to determine the role of this variant in disease. Therefore, it has been classified as a Variant of Uncertain Significance.